The following is an entry in ClinVar:

ClinVar aggregate classification (germline): Benign/Likely benign. Review status: criteria provided, multiple submitters, no conflicts (2 of 4 stars). 4 submissions from 4 submitters: Benign (1); Likely benign (3). Last evaluated 2024-06-13.

Conditions:
Familial cancer of breast. Also called: BREAST CANCER, FAMILIAL; Hereditary breast cancer; hereditary breast carcinoma. Identifiers: Orphanet 227535, MedGen C0346153, MONDO:0016419, OMIM 114480. Disease mechanism: loss of function.
Ataxia-telangiectasia syndrome (AT). Also called: Ataxia-telangiectasia, complementation group D; AT, COMPLEMENTATION GROUP C; ATAXIA-TELANGIECTASIA, COMPLEMENTATION GROUP A; ATAXIA-TELANGIECTASIA, FRESNO VARIANT; Ataxia-telangiectasia, complementation group E; LOUIS-BAR SYNDROME. Identifiers: Orphanet 100, MedGen C0004135, MONDO:0008840, OMIM 208900.
Hereditary cancer-predisposing syndrome. Also called: Tumor predisposition; Hereditary Cancer Syndrome; Hereditary neoplastic syndrome; Neoplastic Syndromes, Hereditary. Identifiers: Orphanet 140162, MedGen C0027672, MeSH D009386, MONDO:0015356.

Submissions (4):

Myriad Genetics, Inc.
Classification: Benign for Familial cancer of breast. Last evaluated: 2024-06-13. Review status: criteria provided, single submitter. Criteria: Myriad Autosomal Dominant, Autosomal Recessive and X-Linked Classification Criteria (2023). Collection method: clinical testing. Allele origin: unknown.
Comment: This variant is considered benign. This variant is a silent/synonymous amino acid change and it is not expected to impact splicing.

Ambry Genetics
Classification: Likely benign for Hereditary cancer-predisposing syndrome. Last evaluated: 2023-07-16. Review status: criteria provided, single submitter. Criteria: Ambry Variant Classification Scheme 2023. Collection method: clinical testing. Allele origin: germline.

Labcorp Genetics (formerly Invitae), Labcorp
Classification: Likely benign for Ataxia-telangiectasia syndrome. Last evaluated: 2023-02-24. Review status: criteria provided, single submitter. Criteria: Invitae Variant Classification Sherloc (09022015). Collection method: clinical testing. Allele origin: germline.

Women's Health and Genetics/Laboratory Corporation of America, LabCorp
Classification: Likely benign. Last evaluated: 2023-01-02. Review status: criteria provided, single submitter. Criteria: LabCorp Variant Classification Summary - May 2015. Collection method: clinical testing. Allele origin: germline.

NM_000051.4(ATM):c.7354C>T (p.Leu2452=)

Genes: ATM (ATM serine/threonine kinase; plus strand), C11orf65 (chromosome 11 open reading frame 65; minus strand). Cytogenetic location: 11q22.3.
Variant type: single nucleotide variant.
Coding change: c.7354C>T on transcript NM_000051.4 (MANE Select); coding-DNA position 7354, C replaced by T.
Protein change: p.Leu2452=; no amino-acid change (leucine 2452 retained).
Molecular consequence: synonymous variant. On other transcripts: intron variant (2).
Genome position (GRCh38, 1-based): chr11:108,330,260, C>T. VCF-style: chr11-108330260-C-T. GRCh37 (hg19) VCF-style: chr11-108200987-C-T.
Other names: c.7354C>T, p.Leu2452= (NM_001351834.2); c.641-21189G>A (NM_001330368.2); c.*38+4960G>A (NM_001351110.2).
Identifiers: ClinVar variation 2024415 (VCV002024415.46), dbSNP rs587779863, ClinGen allele CA476676853.
Genomic context (GRCh38, chr11:108,330,260, plus strand): 5'-TTATTCTATGCAAGATACACAGTAAAGGTTCAGCGAGAGCTGGAGTTGGATGAATTAGCC[C>T]TGCGTGCACTGAAAGAGGATCGTAAACGCTTCTTATGTAAAGCAGTTGAAAATTATATCA-3'
Protein context (NP_000042.3, residues 2442-2462): QRELELDELA[Leu2452=]RALKEDRKRF